The following is an entry in ClinVar:

NM_001039958.2(MESP2):c.557dup (p.Gln188fs)

Gene: MESP2 (mesoderm posterior bHLH transcription factor 2; plus strand). Cytogenetic location: 15q26.1.
Variant type: Duplication.
Coding change: c.557dup on transcript NM_001039958.2 (MANE Select); coding-DNA position 557, one base duplicated (A; older notation c.557dupA).
Protein change: p.Gln188fs; shifts the reading frame from glutamine 188.
Molecular consequence: frameshift variant.
Genome position (GRCh38, 1-based): chr15:89,776,914, A duplicated. VCF-style (leftmost placement, unchanged base first): chr15-89776913-C-CA. GRCh37 (hg19) VCF-style: chr15-90320144-C-CA.
Other names: short protein forms Q188fs.
Identifiers: ClinVar variation 4814573 (VCV004814573.1).

ClinVar aggregate classification (germline): Likely pathogenic (1 of 4 stars; one submission).

Conditions:
Spondylocostal dysostosis 2, autosomal recessive (SCDO2). Also called: MESP2-Related Spondylocostal Dysostosis, Autosomal Recessive; Spondylocostal dysostosis type 2. Identifiers: Orphanet 2311, MedGen C1837549, MONDO:0012097, OMIM 608681.

Submission:

Natera, Inc.
Classification: Likely pathogenic for Spondylocostal dysostosis type 2. Last evaluated: 2025-11-14. Review status: criteria provided, single submitter. Criteria: Natera Variant Classification Schema (03/2026). Collection method: clinical testing. Allele origin: germline.
Comment: The c.557dup variant in MESP2 is a frameshift variant predicted to shift the reading frame beginning at codon 188 and leads to a stop codon 179 codons downstream. This variant is expected to result in nonsense mediated decay, truncation, or a dysfunctional protein product. This variant is rare in the general population with a frequency below the threshold expected for the associated phenotype(s). Given the available evidence, this variant is classified as Likely Pathogenic.